The following is an entry in ClinVar:

NM_018192.4(P3H2):c.350C>T (p.Ala117Val)

Genes: P3H2 (prolyl 3-hydroxylase 2; minus strand), LOC129938149 (ATAC-STARR-seq lymphoblastoid silent region 14999; plus strand). Cytogenetic location: 3q28.
Variant type: single nucleotide variant.
Coding change: c.350C>T on transcript NM_018192.4 (MANE Select); coding-DNA position 350, C replaced by T.
Protein change: p.Ala117Val; replaces alanine 117 with valine.
Molecular consequence: missense variant. On other transcripts: intron variant (1).
Genome position (GRCh38, 1-based): chr3:190,120,382, G>A on the plus strand (C>T on the coding strand, the complement: P3H2 is on the minus strand). VCF-style: chr3-190120382-G-A. GRCh37 (hg19) VCF-style: chr3-189838171-G-A.
Other names: c.-64+1821C>T (NM_001134418.2); short protein forms A117V.
Identifiers: ClinVar variation 2044870 (VCV002044870.4), dbSNP rs1301901860, ClinGen allele CA355859665.

ClinVar aggregate classification (germline): Uncertain significance (1 of 4 stars; one submission).

gnomAD v4.1: 5 of 1,542,320 alleles (0.00032%); highest among the groups gnomAD compares: Non-Finnish European, 0.00043%; no homozygotes.

Submission:

Labcorp Genetics (formerly Invitae), Labcorp
Classification: Uncertain significance. Last evaluated: 2022-09-07. Review status: criteria provided, single submitter. Criteria: Invitae Variant Classification Sherloc (09022015). Collection method: clinical testing. Allele origin: germline.
Comment: In summary, the available evidence is currently insufficient to determine the role of this variant in disease. Therefore, it has been classified as a Variant of Uncertain Significance. Algorithms developed to predict the effect of missense changes on protein structure and function are either unavailable or do not agree on the potential impact of this missense change (SIFT: "Deleterious"; PolyPhen-2: "Probably Damaging"; Align-GVGD: "Class C0"). This variant has not been reported in the literature in individuals affected with P3H2-related conditions. The frequency data for this variant in the population databases is considered unreliable, as metrics indicate poor data quality at this position in the gnomAD database. This sequence change replaces alanine, which is neutral and non-polar, with valine, which is neutral and non-polar, at codon 117 of the P3H2 protein (p.Ala117Val).